The following is an entry in ClinVar:

ClinVar aggregate classification (germline): Uncertain significance (1 of 4 stars; one submission).

Conditions:
IFT172-related disorder. Also called: IFT172-related disorders; IFT172-related condition.

gnomAD v4.1: 2 of 1,614,024 alleles (0.00012%); highest among the groups gnomAD compares: Admixed American, 0.0033%; no homozygotes.

Submission:

PreventionGenetics, part of Exact Sciences
Classification: Uncertain significance for IFT172-related condition. Last evaluated: 2025-11-05. Review status: criteria provided, single submitter. Criteria: ACMG Guidelines, 2015. Collection method: clinical testing. Allele origin: germline.
Comment: The IFT172 c.2819G>T variant is predicted to result in the amino acid substitution p.Arg940Leu. To our knowledge, this variant has not been reported in the literature or in a large population database (gnomAD), indicating this variant is rare. At this time, the clinical significance of this variant is uncertain due to the absence of conclusive functional and genetic evidence.

NM_015662.3(IFT172):c.2819G>T (p.Arg940Leu)

Genes: IFT172 (intraflagellar transport 172; minus strand), LOC126806174 (CDK7 strongly-dependent group 2 enhancer GRCh37_chr2:27681686-27682885; plus strand). Cytogenetic location: 2p23.3.
Variant type: single nucleotide variant.
Coding change: c.2819G>T on transcript NM_015662.3 (MANE Select); coding-DNA position 2819, G replaced by T.
Protein change: p.Arg940Leu; replaces arginine 940 with leucine.
Molecular consequence: missense variant.
Genome position (GRCh38, 1-based): chr2:27,458,837, C>A on the plus strand (G>T on the coding strand, the complement: IFT172 is on the minus strand). VCF-style: chr2-27458837-C-A. GRCh37 (hg19) VCF-style: chr2-27681704-C-A.
Other names: c.2753G>T, p.Arg918Leu (NM_001410739.1); short protein forms R940L, R918L.
Identifiers: ClinVar variation 5001021 (VCV005001021.1).